The following is an entry in ClinVar:

NM_000493.4(COL10A1):c.308C>G (p.Ser103Ter)

Genes: COL10A1 (collagen type X alpha 1 chain; minus strand), NT5DC1 (5'-nucleotidase domain containing 1; plus strand). Cytogenetic location: 6q22.1.
Variant type: single nucleotide variant.
Coding change: c.308C>G on transcript NM_000493.4 (MANE Select); coding-DNA position 308, C replaced by G.
Protein change: p.Ser103Ter; replaces serine 103 with a stop codon.
Molecular consequence: nonsense. On other transcripts: intron variant (1).
Genome position (GRCh38, 1-based): chr6:116,121,808, G>C on the plus strand (C>G on the coding strand, the complement: COL10A1 is on the minus strand). VCF-style: chr6-116121808-G-C. GRCh37 (hg19) VCF-style: chr6-116442971-G-C.
Other names: c.308C>G, p.Ser103Ter (NM_001424106.1, NM_001424107.1); c.529+3863G>C (NM_152729.3); short protein forms S103*.
Identifiers: ClinVar variation 286404 (VCV000286404.8), dbSNP rs886043380, ClinGen allele CA10605451.
Genomic context (GRCh38, chr6:116,121,808, plus strand): 5'-TATGGTCCTCTCTCTCCTGGTTTTCCTGGGAGTCCTGGCACACCTGGTTTCCCTACAGCT[G>C]ATGGTCCCGGTGGTCCTGGCAACCCTGGCTCTCCTTGGAGTCCAGGACTTCCGTAGCCTG-3'

ClinVar aggregate classification (germline): Uncertain significance. Review status: criteria provided, multiple submitters, no conflicts (2 of 4 stars). 2 submissions from 2 submitters: Uncertain significance (2). Last evaluated 2024-06-10.

Allele frequency attached by ClinVar (database versions not stated): gnomAD exomes below 0.00001; TOPMed below 0.00001.
gnomAD v4.1: 1 of 1,613,920 alleles (0.000062%); highest among the groups gnomAD compares: South Asian, 0.0011%; no homozygotes.

Submissions (2):

Labcorp Genetics (formerly Invitae), Labcorp
Classification: Uncertain significance. Last evaluated: 2024-06-10. Review status: criteria provided, single submitter. Criteria: Invitae Variant Classification Sherloc (09022015). Collection method: clinical testing. Allele origin: germline.
Comment: This sequence change creates a premature translational stop signal (p.Ser103*) in the COL10A1 gene. While this is not anticipated to result in nonsense mediated decay, it is expected to disrupt the last 578 amino acid(s) of the COL10A1 protein. This variant is present in population databases (no rsID available, gnomAD 0.003%). This variant has not been reported in the literature in individuals affected with COL10A1-related conditions. ClinVar contains an entry for this variant (Variation ID: 286404). Experimental studies and prediction algorithms are not available or were not evaluated, and the functional significance of this variant is currently unknown. In summary, the available evidence is currently insufficient to determine the role of this variant in disease. Therefore, it has been classified as a Variant of Uncertain Significance.

Eurofins Ntd Llc (ga)
Classification: Uncertain significance. Last evaluated: 2016-03-14. Review status: criteria provided, single submitter. Criteria: EGL Classification Definitions 2015. Collection method: clinical testing. Allele origin: germline. Observed: 1 variant allele, 1 heterozygote.